The following is an entry in ClinVar:

NM_004104.5(FASN):c.220A>G (p.Thr74Ala)

Gene: FASN (fatty acid synthase; minus strand). Cytogenetic location: 17q25.3.
Variant type: single nucleotide variant.
Coding change: c.220A>G on transcript NM_004104.5 (MANE Select); coding-DNA position 220, A replaced by G.
Protein change: p.Thr74Ala; replaces threonine 74 with alanine.
Molecular consequence: missense variant.
Genome position (GRCh38, 1-based): chr17:82,095,380, T>C on the plus strand (A>G on the coding strand, the complement: FASN is on the minus strand). VCF-style: chr17-82095380-T-C. GRCh37 (hg19) VCF-style: chr17-80053256-T-C.
Other names: short protein forms T74A.
Identifiers: ClinVar variation 1005270 (VCV001005270.8), dbSNP rs1324267615, ClinGen allele CA401566138.

ClinVar aggregate classification (germline): Uncertain significance (1 of 4 stars; one submission).

Conditions:
Epileptic encephalopathy. Identifiers: MedGen C0543888, HP:0200134.

Allele frequency attached by ClinVar (database versions not stated): gnomAD exomes below 0.00001 and 0.00001; gnomAD 0.00001.
gnomAD v4.1: 14 of 1,612,842 alleles (0.00087%); highest among the groups gnomAD compares: Non-Finnish European, 0.0012%; no homozygotes.

Submission:

Labcorp Genetics (formerly Invitae), Labcorp
Classification: Uncertain significance for Epileptic encephalopathy. Last evaluated: 2025-01-06. Review status: criteria provided, single submitter. Criteria: Invitae Variant Classification Sherloc (09022015). Collection method: clinical testing. Allele origin: germline.
Comment: This sequence change replaces threonine, which is neutral and polar, with alanine, which is neutral and non-polar, at codon 74 of the FASN protein (p.Thr74Ala). This variant is present in population databases (no rsID available, gnomAD 0.002%). This variant has not been reported in the literature in individuals affected with FASN-related conditions. ClinVar contains an entry for this variant (Variation ID: 1005270). An algorithm developed to predict the effect of missense changes on protein structure and function (PolyPhen-2) suggests that this variant is likely to be tolerated. In summary, the available evidence is currently insufficient to determine the role of this variant in disease. Therefore, it has been classified as a Variant of Uncertain Significance.